The following is an entry in ClinVar:

NM_020632.3(ATP6V0A4):c.-169C>T

Genes: ATP6V0A4 (ATPase H+ transporting V0 subunit a4; minus strand), TMEM213 (transmembrane protein 213; plus strand), LOC123956241 (Sharpr-MPRA regulatory region 1249; plus strand). Cytogenetic location: 7q34.
Variant type: single nucleotide variant.
Coding change: c.-169C>T on transcript NM_020632.3 (MANE Select); 169 bases upstream of the start codon, C replaced by T.
Molecular consequence: 5 prime UTR variant.
Genome position (GRCh38, 1-based): chr7:138,798,082, G>A on the plus strand (C>T on the coding strand, the complement: ATP6V0A4 is on the minus strand). VCF-style: chr7-138798082-G-A. GRCh37 (hg19) VCF-style: chr7-138482827-G-A.
Other names: c.-23G>A (NM_001085429.2); c.-66C>T (NM_130840.3).
Identifiers: ClinVar variation 359037 (VCV000359037.6), dbSNP rs199654929, ClinGen allele CA4505311.

ClinVar aggregate classification (germline): Benign. Review status: criteria provided, multiple submitters, no conflicts (2 of 4 stars). 2 submissions from 2 submitters: Benign (2). Last evaluated 2018-01-12.

Conditions:
Autosomal recessive distal renal tubular acidosis. Identifiers: Orphanet 402041, MedGen C1864498, MONDO:0018440.

Allele frequency attached by ClinVar (database versions not stated): ESP Exome Variant Server 0.00054; gnomAD 0.00227 and 0.00229; 1000 Genomes Project 0.00260; 1000 Genomes Project 30x 0.00328; TOPMed 0.00364; gnomAD exomes 0.00531; ExAC 0.00878.
gnomAD v4.1: 1,681 of 1,584,796 alleles (0.11%); highest among the groups gnomAD compares: Admixed American, 2.8%; 22 homozygotes.

Submissions (2):

Illumina Laboratory Services, Illumina
Classification: Benign for Renal tubular acidosis, distal, 3, with or without sensorineural hearing loss. Last evaluated: 2018-01-12. Review status: criteria provided, single submitter. Criteria: ICSL Variant Classification Criteria 13 December 2019. Collection method: clinical testing. Allele origin: germline.
Comment: This variant was observed in the ICSL laboratory as part of a predisposition screen in an ostensibly healthy population. It had not been previously curated by ICSL or reported in the Human Gene Mutation Database (HGMD: prior to June 1st, 2018), and was therefore a candidate for classification through an automated scoring system. Utilizing variant allele frequency, disease prevalence and penetrance estimates, and inheritance mode, an automated score was calculated to assess if this variant is too frequent to cause the disease. Based on the score and internal cut-off values, a variant classified as benign is not then subjected to further curation. The score for this variant resulted in a classification of benign for this disease.

Breakthrough Genomics
Classification: Benign. Review status: criteria provided, single submitter. Criteria: ACMG Guidelines, 2015. Collection method: not provided. Allele origin: germline. Inheritance: Autosomal recessive inheritance. Affected: yes.